The following is an entry in ClinVar:

ClinVar aggregate classification (germline): Uncertain significance (1 of 4 stars; one submission).

Conditions:
Early-infantile DEE. Also called: Early infantile epileptic encephalopathy; Ohtahara syndrome; Early infantile epileptic encephalopathy with suppression bursts. Identifiers: Orphanet 1934, MedGen C0393706, MONDO:0800491.

Allele frequency attached by ClinVar (database versions not stated): gnomAD exomes below 0.00001; gnomAD 0.00001; TOPMed 0.00001.
gnomAD v4.1: 7 of 1,613,396 alleles (0.00043%); highest among the groups gnomAD compares: Non-Finnish European, 0.00042%; no homozygotes.

Submission:

Labcorp Genetics (formerly Invitae), Labcorp
Classification: Uncertain significance for Early-infantile DEE. Last evaluated: 2021-05-16. Review status: criteria provided, single submitter. Criteria: Invitae Variant Classification Sherloc (09022015). Collection method: clinical testing. Allele origin: germline.
Comment: This sequence change replaces serine with cysteine at codon 968 of the CACNA2D2 protein (p.Ser968Cys). The serine residue is highly conserved and there is a moderate physicochemical difference between serine and cysteine. This variant is not present in population databases (ExAC no frequency). This variant has not been reported in the literature in individuals with CACNA2D2-related conditions. Algorithms developed to predict the effect of missense changes on protein structure and function (SIFT, PolyPhen-2, Align-GVGD) all suggest that this variant is likely to be disruptive, but these predictions have not been confirmed by published functional studies and their clinical significance is uncertain. In summary, the available evidence is currently insufficient to determine the role of this variant in disease. Therefore, it has been classified as a Variant of Uncertain Significance.

NM_006030.4(CACNA2D2):c.2903C>G (p.Ser968Cys)

Genes: CACNA2D2 (calcium voltage-gated channel auxiliary subunit alpha2delta 2; minus strand), LOC101928965 (uncharacterized LOC101928965; plus strand), LOC127898564 (CYB561D2-LOC101928965; plus strand). Cytogenetic location: 3p21.31.
Variant type: single nucleotide variant.
Coding change: c.2903C>G on transcript NM_006030.4 (MANE Select); coding-DNA position 2903, C replaced by G.
Protein change: p.Ser968Cys; replaces serine 968 with cysteine.
Molecular consequence: missense variant. On other transcripts: non-coding transcript variant (2).
Genome position (GRCh38, 1-based): chr3:50,365,822, G>C on the plus strand (C>G on the coding strand, the complement: CACNA2D2 is on the minus strand). VCF-style: chr3-50365822-G-C. GRCh37 (hg19) VCF-style: chr3-50403253-G-C.
Other names: c.2903C>G, p.Ser968Cys (NM_001005505.3); c.2924C>G, p.Ser975Cys (NM_001174051.3); c.2696C>G, p.Ser899Cys (NM_001291101.1); short protein forms S899C, S968C, S975C.
Identifiers: ClinVar variation 1406211 (VCV001406211.9), dbSNP rs1435949850, ClinGen allele CA352903275.